The following is an entry in ClinVar:

ClinVar aggregate classification (germline): Uncertain significance (1 of 4 stars; one submission).

gnomAD v4.1: 2 of 1,613,850 alleles (0.00012%); highest among the groups gnomAD compares: Non-Finnish European, 0.00017%; no homozygotes.

Submission:

Labcorp Genetics (formerly Invitae), Labcorp
Classification: Uncertain significance. Last evaluated: 2024-05-01. Review status: criteria provided, single submitter. Criteria: Invitae Variant Classification Sherloc (09022015). Collection method: clinical testing. Allele origin: germline.
Comment: This sequence change replaces asparagine, which is neutral and polar, with serine, which is neutral and polar, at codon 497 of the PRPF6 protein (p.Asn497Ser). This variant is not present in population databases (gnomAD no frequency). This variant has not been reported in the literature in individuals affected with PRPF6-related conditions. Advanced modeling of protein sequence and biophysical properties (such as structural, functional, and spatial information, amino acid conservation, physicochemical variation, residue mobility, and thermodynamic stability) performed at Invitae indicates that this missense variant is not expected to disrupt PRPF6 protein function with a negative predictive value of 80%. In summary, the available evidence is currently insufficient to determine the role of this variant in disease. Therefore, it has been classified as a Variant of Uncertain Significance.

NM_012469.4(PRPF6):c.1490A>G (p.Asn497Ser)

Genes: PRPF6 (pre-mRNA processing factor 6; plus strand), LOC126863089 (BRD4-independent group 4 enhancer GRCh37_chr20:62642795-62643994; plus strand). Cytogenetic location: 20q13.33.
Variant type: single nucleotide variant.
Coding change: c.1490A>G on transcript NM_012469.4 (MANE Select); coding-DNA position 1490, A replaced by G.
Protein change: p.Asn497Ser; replaces asparagine 497 with serine.
Molecular consequence: missense variant.
Genome position (GRCh38, 1-based): chr20:64,011,469, A>G. VCF-style: chr20-64011469-A-G. GRCh37 (hg19) VCF-style: chr20-62642822-A-G.
Other names: short protein forms N497S.
Identifiers: ClinVar variation 3651825 (VCV003651825.2).
Genomic context (GRCh38, chr20:64,011,469, plus strand): 5'-ATGGGAACACGCAGATGGTGGAGAAGATCATCGACCGAGCCATCACCTCGCTGCGGGCCA[A>G]CGGTGTGGAGATCAACCGTGAGCAGTGGATCCAGGTGGGCCGCAGGCGGGTGTCGTGGTG-3'
Protein context (NP_036601.2, residues 487-507): IDRAITSLRA[Asn497Ser]GVEINREQWI